The following is an entry in ClinVar:

NM_000286.3(PEX12):c.559C>T (p.Gln187Ter)

Gene: PEX12 (peroxisomal biogenesis factor 12; minus strand). Cytogenetic location: 17q12.
Variant type: single nucleotide variant.
Coding change: c.559C>T on transcript NM_000286.3 (MANE Select); coding-DNA position 559, C replaced by T.
Protein change: p.Gln187Ter; replaces glutamine 187 with a stop codon.
Molecular consequence: nonsense.
Genome position (GRCh38, 1-based): chr17:35,577,159, G>A on the plus strand (C>T on the coding strand, the complement: PEX12 is on the minus strand). VCF-style: chr17-35577159-G-A. GRCh37 (hg19) VCF-style: chr17-33904178-G-A.
Other names: short protein forms Q187*.
Identifiers: ClinVar variation 5003413 (VCV005003413.1).

ClinVar aggregate classification (germline): Pathogenic (1 of 4 stars; one submission).

Conditions:
Peroxisome biogenesis disorder. Identifiers: Orphanet 79189, MedGen C1832200, MONDO:0019234. Disease mechanism: loss of function.

Submission:

Myriad Genetics, Inc.
Classification: Pathogenic for Peroxisome biogenesis disorder. Last evaluated: 2026-05-27. Review status: criteria provided, single submitter. Criteria: Myriad Autosomal Dominant, Autosomal Recessive and X-Linked Classification Criteria (2023). Collection method: clinical testing. Allele origin: unknown.
Comment: NM_000286.2(PEX12):c.559C>T(Q187*) is a nonsense variant classified as pathogenic in the context of peroxisome biogenesis disorder type 3. Q187* has not been observed in cases with relevant disease. Relevant functional assessments of this variant are not available in the literature. Q187* has not been observed in referenced population frequency databases. In summary, NM_000286.2(PEX12):c.559C>T(Q187*) is a nonsense variant in a gene where loss of function is a known mechanism of disease and is predicted to disrupt protein function. Please note: this variant was assessed in the context of healthy population screening.